The following is an entry in ClinVar:

NM_018896.5(CACNA1G):c.2793T>A (p.Asn931Lys)

Gene: CACNA1G (calcium voltage-gated channel subunit alpha1 G; plus strand). Cytogenetic location: 17q21.33.
Variant type: single nucleotide variant.
Coding change: c.2793T>A on transcript NM_018896.5 (MANE Select); coding-DNA position 2793, T replaced by A.
Protein change: p.Asn931Lys; replaces asparagine 931 with lysine.
Molecular consequence: missense variant. On other transcripts: non-coding transcript variant (5).
Genome position (GRCh38, 1-based): chr17:50,591,975, T>A. VCF-style: chr17-50591975-T-A. GRCh37 (hg19) VCF-style: chr17-48669336-T-A.
Other names: c.2793T>A, p.Asn931Lys (NM_001256324.2, NM_001256325.2, NM_001256326.2 and 24 more transcripts); short protein forms N931K.
Identifiers: ClinVar variation 3367909 (VCV003367909.2).
Genomic context (GRCh38, chr17:50,591,975, plus strand): 5'-GATTCCTGTCTTCTGCCCGCAGATCCTGACCCAGGAGGACTGGAACAAAGTCCTCTACAA[T>A]GGTATGGCCTCCACGTCGTCCTGGGCGGCCCTTTATTTCATTGCCCTCATGACCTTCGGC-3'
Protein context (NP_061496.2, residues 921-941): TQEDWNKVLY[Asn931Lys]GMASTSSWAA

ClinVar aggregate classification (germline): Uncertain significance (1 of 4 stars; one submission).

Submission:

GeneDx
Classification: Uncertain significance. Last evaluated: 2025-03-19. Review status: criteria provided, single submitter. Criteria: GeneDx Variant Classification Process June 2021. Collection method: clinical testing. Allele origin: germline.
Comment: Not observed at significant frequency in large population cohorts (gnomAD); In silico analysis supports that this missense variant has a deleterious effect on protein structure/function; In silico analysis supports a deleterious effect on splicing; Has not been previously published as pathogenic or benign to our knowledge